The following is an entry in ClinVar:

NM_022356.4(P3H1):c.1988C>G (p.Ala663Gly)

Gene: P3H1 (prolyl 3-hydroxylase 1; minus strand). Cytogenetic location: 1p34.2.
Variant type: single nucleotide variant.
Coding change: c.1988C>G on transcript NM_022356.4 (MANE Select); coding-DNA position 1988, C replaced by G.
Protein change: p.Ala663Gly; replaces alanine 663 with glycine.
Molecular consequence: missense variant.
Genome position (GRCh38, 1-based): chr1:42,747,339, G>C on the plus strand (C>G on the coding strand, the complement: P3H1 is on the minus strand). VCF-style: chr1-42747339-G-C. GRCh37 (hg19) VCF-style: chr1-43213010-G-C.
Other names: c.1988C>G, p.Ala663Gly (NM_001146289.2, NM_001243246.2); short protein forms A663G.
Identifiers: ClinVar variation 1001898 (VCV001001898.6), dbSNP rs1651782504, ClinGen allele CA339952744.

ClinVar aggregate classification (germline): Uncertain significance (1 of 4 stars; one submission).

Conditions:
Osteogenesis imperfecta type 8 (OI8). Identifiers: MedGen C1970458, MONDO:0012581, OMIM 610915.

Allele frequency attached by ClinVar (database versions not stated): gnomAD exomes 0.00001.
gnomAD v4.1: 3 of 1,609,870 alleles (0.00019%); highest among the groups gnomAD compares: Non-Finnish European, 0.00025%; no homozygotes.

Submission:

Labcorp Genetics (formerly Invitae), Labcorp
Classification: Uncertain significance for Osteogenesis imperfecta type 8. Last evaluated: 2022-02-21. Review status: criteria provided, single submitter. Criteria: Invitae Variant Classification Sherloc (09022015). Collection method: clinical testing. Allele origin: germline.
Comment: This sequence change replaces alanine, which is neutral and non-polar, with glycine, which is neutral and non-polar, at codon 663 of the P3H1 protein (p.Ala663Gly). This variant is not present in population databases (gnomAD no frequency). This variant has not been reported in the literature in individuals affected with P3H1-related conditions. ClinVar contains an entry for this variant (Variation ID: 1001898). Algorithms developed to predict the effect of missense changes on protein structure and function are either unavailable or do not agree on the potential impact of this missense change (SIFT: "Deleterious"; PolyPhen-2: "Benign"; Align-GVGD: "Class C0"). In summary, the available evidence is currently insufficient to determine the role of this variant in disease. Therefore, it has been classified as a Variant of Uncertain Significance.